The following is an entry in ClinVar:

NM_015047.3(EMC1):c.2304dup (p.Ile769fs)

Genes: EMC1 (ER membrane protein complex subunit 1; minus strand), EMC1-AS1 (EMC1 antisense RNA 1; plus strand). Cytogenetic location: 1p36.13.
Variant type: Duplication.
Coding change: c.2304dup on transcript NM_015047.3 (MANE Select); coding-DNA position 2304, one base duplicated (T; older notation c.2304dupT).
Protein change: p.Ile769fs; shifts the reading frame from isoleucine 769.
Molecular consequence: frameshift variant.
Genome position (GRCh38, 1-based): chr1:19,223,468, A duplicated on the plus strand (T on the coding strand, the reverse complement: EMC1 is on the minus strand). VCF-style (leftmost placement, unchanged base first): chr1-19223467-T-TA. GRCh37 (hg19) VCF-style: chr1-19549961-T-TA.
Other names: c.2301dup, p.Ile768fs (NM_001271427.2, NM_001271428.2); c.2238dup, p.Ile747fs (NM_001271429.2); c.2313dup, p.Ile772fs (NM_001375820.1); c.2310dup, p.Ile771fs (NM_001375821.1); short protein forms I747fs, I768fs, I769fs, I771fs, I772fs.
Identifiers: ClinVar variation 4528137 (VCV004528137.1).

ClinVar aggregate classification (germline): Likely pathogenic (1 of 4 stars; one submission).

Submission:

GeneDx
Classification: Likely pathogenic. Last evaluated: 2025-05-07. Review status: criteria provided, single submitter. Criteria: GeneDx Variant Classification Process June 2021. Collection method: clinical testing. Allele origin: germline. Affected: yes.
Comment: Frameshift variant predicted to result in protein truncation or nonsense mediated decay in a gene for which loss of function is a known mechanism of disease; Not observed at significant frequency in large population cohorts (gnomAD); Has not been previously published as pathogenic or benign to our knowledge